The following is an entry in ClinVar:

NM_006929.5(SKIC2):c.1331_1333del (p.Leu444del)

Gene: SKIC2 (SKI2 subunit of superkiller complex; plus strand). Cytogenetic location: 6p21.33.
Variant type: Deletion.
Coding change: c.1331_1333del on transcript NM_006929.5 (MANE Select); coding-DNA positions 1331 to 1333, 3 bases deleted (TAC; older notation c.1331_1333delTAC).
Protein change: p.Leu444del; deletes leucine 444.
Molecular consequence: inframe deletion.
Genome position (GRCh38, 1-based): chr6:31,963,019-31,963,021, TAC deleted; deleting any 3 consecutive bases within chr6:31,963,018-31,963,021 gives the same sequence; the c. name uses the placement nearest the transcript's 3' end. VCF-style (leftmost placement, unchanged base first): chr6-31963017-GCTA-G. GRCh37 (hg19) VCF-style: chr6-31930794-GCTA-G.
Other names: short protein forms L444del.
Identifiers: ClinVar variation 1401584 (VCV001401584.8), dbSNP rs763891739, ClinGen allele CA3729439.

ClinVar aggregate classification (germline): Uncertain significance (1 of 4 stars; one submission).

Submission:

Labcorp Genetics (formerly Invitae), Labcorp
Classification: Uncertain significance. Last evaluated: 2022-06-20. Review status: criteria provided, single submitter. Criteria: Invitae Variant Classification Sherloc (09022015). Collection method: clinical testing. Allele origin: germline.
Comment: Experimental studies and prediction algorithms are not available or were not evaluated, and the functional significance of this variant is currently unknown. This variant has not been reported in the literature in individuals affected with SKIV2L-related conditions. This variant is present in population databases (rs763891739, gnomAD 0.003%). This variant, c.1331_1333del, results in the deletion of 1 amino acid(s) of the SKIV2L protein (p.Leu444del), but otherwise preserves the integrity of the reading frame. In summary, the available evidence is currently insufficient to determine the role of this variant in disease. Therefore, it has been classified as a Variant of Uncertain Significance.